The following is an entry in ClinVar:

ClinVar aggregate classification (germline): Pathogenic (1 of 4 stars; one submission).

Conditions:
Hereditary cancer-predisposing syndrome. Also called: Neoplastic Syndromes, Hereditary; Hereditary neoplastic syndrome; Tumor predisposition; Hereditary Cancer Syndrome. Identifiers: Orphanet 140162, MedGen C0027672, MeSH D009386, MONDO:0015356.

Submission:

Labcorp Genetics (formerly Invitae), Labcorp
Classification: Pathogenic for Hereditary cancer-predisposing syndrome. Last evaluated: 2016-01-25. Review status: criteria provided, single submitter. Criteria: Invitae Variant Classification Sherloc (09022015). Collection method: clinical testing. Allele origin: germline.
Comment: This sequence change deletes 8 nucleotides and inserts 1 nucleotide in exon 21 of the RAD50 mRNA (c.3266_3273delinsT), causing a frameshift at codon 1089. This creates a premature translational stop signal (p.Lys1089Ilefs*17) and is expected to result in an absent or disrupted protein product. While this particular variant has not been reported in the literature, truncating variants in RAD50 are known to be pathogenic (PMID: 19409520, 16385572). For these reasons, this variant has been classified as Pathogenic.

NM_005732.4(RAD50):c.3266_3273delinsT (p.Lys1089fs)

Gene: RAD50 (RAD50 double strand break repair protein; plus strand). Cytogenetic location: 5q31.1.
Variant type: Indel.
Coding change: c.3266_3273delinsT on transcript NM_005732.4 (MANE Select); coding-DNA positions 3266 to 3273, AGAAAGAA replaced by T.
Protein change: p.Lys1089fs; shifts the reading frame from lysine 1089.
Molecular consequence: frameshift variant.
Genome position (GRCh38, 1-based): chr5:132,618,171-132,618,178, AGAAAGAA replaced by T. VCF-style: chr5-132618171-AGAAAGAA-T. GRCh37 (hg19) VCF-style: chr5-131953863-AGAAAGAA-T.
Other names: short protein forms K1089fs.
Identifiers: ClinVar variation 240235 (VCV000240235.1), dbSNP rs878854797, ClinGen allele CA10582389.